The following is an entry in ClinVar:

ClinVar aggregate classification (germline): Uncertain significance (1 of 4 stars; one submission).

Conditions:
Early-onset Lafora body disease. Also called: Epilepsy, progressive myoclonic, 10. Identifiers: Orphanet 324290, MedGen C4225258, MONDO:0014717, OMIM 616640.

Allele frequency attached by ClinVar (database versions not stated): gnomAD exomes below 0.00001.
gnomAD v4.1: 2 of 1,614,096 alleles (0.00012%); highest among the groups gnomAD compares: Non-Finnish European, 0.00017%; no homozygotes.

Submission:

Labcorp Genetics (formerly Invitae), Labcorp
Classification: Uncertain significance for Early-onset Lafora body disease. Last evaluated: 2021-05-10. Review status: criteria provided, single submitter. Criteria: Invitae Variant Classification Sherloc (09022015). Collection method: clinical testing. Allele origin: germline.
Comment: This sequence change replaces cysteine with arginine at codon 178 of the PRDM8 protein (p.Cys178Arg). The cysteine residue is highly conserved and there is a large physicochemical difference between cysteine and arginine. This variant is not present in population databases (ExAC no frequency). This variant has not been reported in the literature in individuals with PRDM8-related conditions. Algorithms developed to predict the effect of missense changes on protein structure and function are either unavailable or do not agree on the potential impact of this missense change (SIFT: "Deleterious"; PolyPhen-2: "Probably Damaging"; Align-GVGD: "Class C0"). In summary, the available evidence is currently insufficient to determine the role of this variant in disease. Therefore, it has been classified as a Variant of Uncertain Significance.

NM_001099403.2(PRDM8):c.532T>C (p.Cys178Arg)

Genes: PRDM8 (PR/SET domain 8; plus strand), LOC126807094 (CDK7 strongly-dependent group 2 enhancer GRCh37_chr4:81121978-81123177; plus strand). Cytogenetic location: 4q21.21.
Variant type: single nucleotide variant.
Coding change: c.532T>C on transcript NM_001099403.2 (MANE Select); coding-DNA position 532, T replaced by C.
Protein change: p.Cys178Arg; replaces cysteine 178 with arginine.
Molecular consequence: missense variant.
Genome position (GRCh38, 1-based): chr4:80,201,994, T>C. VCF-style: chr4-80201994-T-C. GRCh37 (hg19) VCF-style: chr4-81123148-T-C.
Other names: c.532T>C, p.Cys178Arg (NM_020226.4); short protein forms C178R.
Identifiers: ClinVar variation 1502850 (VCV001502850.8), dbSNP rs2109877963, ClinGen allele CA357394197.